The following is an entry in ClinVar:

NM_033305.3(VPS13A):c.2512+2T>C

Gene: VPS13A (vacuolar protein sorting 13 homolog A; plus strand). Cytogenetic location: 9q21.2.
Variant type: single nucleotide variant.
Coding change: c.2512+2T>C on transcript NM_033305.3 (MANE Select); the canonical splice donor site of the intron after coding-DNA position 2512, T replaced by C.
Molecular consequence: splice donor variant.
Genome position (GRCh38, 1-based): chr9:77,273,366, T>C. VCF-style: chr9-77273366-T-C. GRCh37 (hg19) VCF-style: chr9-79888282-T-C.
Other names: c.2512+2T>C (NM_001018037.2, NM_015186.4, NM_001018038.3).
Identifiers: ClinVar variation 1523268 (VCV001523268.8), dbSNP rs2131325491, ClinGen allele CA373843755.

ClinVar aggregate classification (germline): Likely pathogenic. Review status: criteria provided, multiple submitters, no conflicts (2 of 4 stars). 2 submissions from 2 submitters: Likely pathogenic (2). Last evaluated 2024-02-14.

Conditions:
VPS13A-related neurodegenerative disease. Also called: Choreoacanthocytosis; Chorea-acanthocytosis; VPS13A Disease; Choreaacanthocytosis; ACANTHOCYTOSIS WITH NEUROLOGIC DISORDER; LEVINE-CRITCHLEY SYNDROME. Identifiers: Orphanet 2388, MedGen C0393576, MONDO:0008695, OMIM 200150.

Submissions (3):

Fulgent Genetics
Classification: Likely pathogenic for VPS13A-related neurodegenerative disease. Last evaluated: 2024-02-14. Review status: criteria provided, single submitter. Criteria: ACMG Guidelines, 2015. Collection method: clinical testing. Allele origin: germline.

Labcorp Genetics (formerly Invitae), Labcorp
Classification: Likely pathogenic. Last evaluated: 2021-08-07. Review status: criteria provided, single submitter. Criteria: Invitae Variant Classification Sherloc (09022015). Collection method: clinical testing. Allele origin: germline.
Comment: In summary, the currently available evidence indicates that the variant is pathogenic, but additional data are needed to prove that conclusively. Therefore, this variant has been classified as Likely Pathogenic. Algorithms developed to predict the effect of sequence changes on RNA splicing suggest that this variant may disrupt the consensus splice site. This variant has not been reported in the literature in individuals affected with VPS13A-related conditions. This variant is not present in population databases (ExAC no frequency). This sequence change affects a donor splice site in intron 24 of the VPS13A gene. It is expected to disrupt RNA splicing. Variants that disrupt the donor or acceptor splice site typically lead to a loss of protein function (PMID: 16199547), and loss-of-function variants in VPS13A are known to be pathogenic (PMID: 12404112, 21598378).

Dr. Peter K. Rogan Lab, Western University
No classification provided (evidence only). Condition: Sarcoma. Review status: no classification provided. Collection method: in vitro. Allele origin: not applicable. Functional consequence: retained intron. Not counted in ClinVar's aggregate classification.

Literature cited by the submitters: PubMed 16199547 (cited by Labcorp Genetics (formerly Invitae), Labcorp); PubMed 12404112 (cited by Labcorp Genetics (formerly Invitae), Labcorp); PubMed 21598378 (cited by Labcorp Genetics (formerly Invitae), Labcorp).